The following is an entry in ClinVar:

ClinVar aggregate classification (germline): Likely benign. Review status: criteria provided, multiple submitters, no conflicts (2 of 4 stars). 2 submissions from 2 submitters: Likely benign (2). Last evaluated 2024-06-27.

Conditions:
Oligodontia-cancer predisposition syndrome. Also called: TOOTH AGENESIS-COLORECTAL CANCER SYNDROME. Identifiers: Orphanet 300576, MedGen C1837750, MONDO:0012075, OMIM 608615. Disease mechanism: loss of function.

gnomAD v4.1: 4 of 1,589,394 alleles (0.00025%); highest among the groups gnomAD compares: Non-Finnish European, 0.00034%; no homozygotes.

Submissions (2):

Myriad Genetics, Inc.
Classification: Likely benign for Oligodontia-cancer predisposition syndrome. Last evaluated: 2024-06-27. Review status: criteria provided, single submitter. Criteria: Myriad Autosomal Dominant, Autosomal Recessive and X-Linked Classification Criteria (2023). Collection method: clinical testing. Allele origin: unknown.
Comment: This variant is considered likely benign. This variant is intronic and is not expected to impact mRNA splicing.

Labcorp Genetics (formerly Invitae), Labcorp
Classification: Likely benign for Oligodontia-cancer predisposition syndrome. Last evaluated: 2023-06-09. Review status: criteria provided, single submitter. Criteria: Invitae Variant Classification Sherloc (09022015). Collection method: clinical testing. Allele origin: germline.

NM_004655.4(AXIN2):c.816-13A>G

Gene: AXIN2 (axin 2; minus strand). Cytogenetic location: 17q24.1.
Variant type: single nucleotide variant.
Coding change: c.816-13A>G on transcript NM_004655.4 (MANE Select); 13 bases into the intron before coding-DNA position 816, A replaced by G.
Molecular consequence: intron variant.
Genome position (GRCh38, 1-based): chr17:65,549,673, T>C on the plus strand (A>G on the coding strand, the complement: AXIN2 is on the minus strand). VCF-style: chr17-65549673-T-C. GRCh37 (hg19) VCF-style: chr17-63545791-T-C.
Other names: c.816-13A>G (NM_001363813.1).
Identifiers: ClinVar variation 3015806 (VCV003015806.4), dbSNP rs1296767461, ClinGen allele CA2639406907.